The following is an entry in ClinVar:

NM_001365536.1(SCN9A):c.5371C>A (p.Pro1791Thr)

Genes: SCN1A-AS1 (SCN1A and SCN9A antisense RNA 1; plus strand), SCN9A (sodium voltage-gated channel alpha subunit 9; minus strand). Cytogenetic location: 2q24.3.
Variant type: single nucleotide variant.
Coding change: c.5371C>A on transcript NM_001365536.1 (MANE Select); coding-DNA position 5371, C replaced by A.
Protein change: p.Pro1791Thr; replaces proline 1791 with threonine.
Molecular consequence: missense variant.
Genome position (GRCh38, 1-based): chr2:166,199,268, G>T on the plus strand (C>A on the coding strand, the complement: SCN9A is on the minus strand). VCF-style: chr2-166199268-G-T. GRCh37 (hg19) VCF-style: chr2-167055778-G-T.
Other names: c.5338C>A, p.Pro1780Thr (NM_002977.4); short protein forms P1791T, P1780T.
Identifiers: ClinVar variation 949885 (VCV000949885.43), dbSNP rs1693360658, ClinGen allele CA349053214.

ClinVar aggregate classification (germline): Uncertain significance. Review status: criteria provided, multiple submitters, no conflicts (2 of 4 stars). 2 submissions from 2 submitters: Uncertain significance (2). Last evaluated 2024-02-09.

Conditions:
Generalized epilepsy with febrile seizures plus, type 7 (GEFSP7). Also called: GEFS+, TYPE 7. Identifiers: Orphanet 36387, MedGen C2751778, MONDO:0013470, OMIM 613863.
Neuropathy, hereditary sensory and autonomic, type 2A (HSAN2A). Also called: WNK1-Related HSAN2 (HSAN2A); HSAN IIA; MORVAN DISEASE; NEUROPATHY, CONGENITAL SENSORY; NEUROPATHY, HEREDITARY SENSORY RADICULAR, AUTOSOMAL RECESSIVE; NEUROPATHY, HEREDITARY SENSORY, TYPE IIA. Identifiers: Orphanet 970, MedGen C2752089, MONDO:0024309, OMIM 201300.

Allele frequency attached by ClinVar (database versions not stated): gnomAD exomes 0.00001.
gnomAD v4.1: 10 of 1,614,098 alleles (0.00062%); highest among the groups gnomAD compares: Non-Finnish European, 0.00076%; no homozygotes.

Submissions (2):

Labcorp Genetics (formerly Invitae), Labcorp
Classification: Uncertain significance for Neuropathy, hereditary sensory and autonomic, type 2A; Generalized epilepsy with febrile seizures plus, type 7. Last evaluated: 2024-02-09. Review status: criteria provided, single submitter. Criteria: Invitae Variant Classification Sherloc (09022015). Collection method: clinical testing. Allele origin: germline.
Comment: This sequence change replaces proline, which is neutral and non-polar, with threonine, which is neutral and polar, at codon 1780 of the SCN9A protein (p.Pro1780Thr). This variant is not present in population databases (gnomAD no frequency). This variant has not been reported in the literature in individuals affected with SCN9A-related conditions. ClinVar contains an entry for this variant (Variation ID: 949885). Advanced modeling of protein sequence and biophysical properties (such as structural, functional, and spatial information, amino acid conservation, physicochemical variation, residue mobility, and thermodynamic stability) performed at Invitae indicates that this missense variant is not expected to disrupt SCN9A protein function with a negative predictive value of 95%. In summary, the available evidence is currently insufficient to determine the role of this variant in disease. Therefore, it has been classified as a Variant of Uncertain Significance.

CeGaT Center for Human Genetics Tuebingen
Classification: Uncertain significance. Last evaluated: 2021-10-01. Review status: criteria provided, single submitter. Criteria: CeGaT Center For Human Genetics Tuebingen Variant Classification Criteria Version 2. Collection method: clinical testing. Allele origin: germline. Affected: yes. Observed: 1 variant allele.